The following is an entry in ClinVar:

ClinVar aggregate classification (germline): Likely pathogenic (1 of 4 stars; one submission).

Conditions:
Sandhoff disease. Also called: GM2-GANGLIOSIDOSIS, TYPE II; HEXOSAMINIDASES A AND B DEFICIENCY; Beta-hexosaminidase-beta-subunit deficiency; GM2 gangliosidosis, type 2; Total hexosaminidase deficiency; Sandhoff-Jatzkewitz-Pilz disease. Identifiers: Orphanet 796, MedGen C0036161, MONDO:0010006, OMIM 268800.

Submission:

Myriad Genetics, Inc.
Classification: Likely pathogenic for Sandhoff disease. Last evaluated: 2022-03-14. Review status: criteria provided, single submitter. Criteria: Myriad Women's Health Autosomal Recessive and X-Linked Classification Criteria (2021). Collection method: clinical testing. Allele origin: unknown.
Comment: NM_000521.3(HEXB):c.1138_1140delTTTinsA(F380Kfs*30) is expected to be pathogenic in the context of Sandhoff disease. This variant is predicted to lead to an abnormal or absent protein product due to the creation of a premature termination codon in HEXB, a gene where loss-of-function variants are known to be pathogenic. Please note: this variant was assessed in the context of healthy population screening.

NM_000521.4(HEXB):c.1138_1140delinsA (p.Phe380fs)

Gene: HEXB (hexosaminidase subunit beta; plus strand). Cytogenetic location: 5q13.3.
Variant type: Indel.
Coding change: c.1138_1140delinsA on transcript NM_000521.4 (MANE Select); coding-DNA positions 1138 to 1140, TTT replaced by A.
Protein change: p.Phe380fs; shifts the reading frame from phenylalanine 380.
Molecular consequence: frameshift variant.
Genome position (GRCh38, 1-based): chr5:74,716,642-74,716,644, TTT replaced by A. VCF-style: chr5-74716642-TTT-A. GRCh37 (hg19) VCF-style: chr5-74012467-TTT-A.
Other names: c.463_465delinsA, p.Phe155fs (NM_001292004.2); short protein forms F155fs, F380fs.
Identifiers: ClinVar variation 1725216 (VCV001725216.2), dbSNP rs2478760298, ClinGen allele CA2580073420.